The following is an entry in ClinVar:

NM_019112.4(ABCA7):c.1388G>A (p.Arg463His)

Gene: ABCA7 (ATP binding cassette subfamily A member 7; plus strand). Cytogenetic location: 19p13.3.
Variant type: single nucleotide variant.
Coding change: c.1388G>A on transcript NM_019112.4 (MANE Select); coding-DNA position 1388, G replaced by A.
Protein change: p.Arg463His; replaces arginine 463 with histidine.
Molecular consequence: missense variant.
Genome position (GRCh38, 1-based): chr19:1,045,174, G>A. VCF-style: chr19-1045174-G-A. GRCh37 (hg19) VCF-style: chr19-1045173-G-A.
Other names: short protein forms R463H.
Identifiers: ClinVar variation 1249491 (VCV001249491.5), dbSNP rs3752233, ClinGen allele CA9033020.
Genomic context (GRCh38, chr19:1,045,174, plus strand): 5'-CTGAGGACTCTTCAGACCCCACAGAGCACCCAACCCCAGACCTGGGCCCCGGCCACGTGC[G>A]CATCAAAATCCGCATGGACATTGACGTGGTCACGAGGACCAATAAGATCAGGGACAGGTC-3'
Protein context (NP_061985.2, residues 453-473): PTPDLGPGHV[Arg463His]IKIRMDIDVV

ClinVar aggregate classification (germline): Benign. Review status: criteria provided, multiple submitters, no conflicts (2 of 4 stars). 3 submissions from 3 submitters: Benign (2). 1 of the submissions does not count toward it. Last evaluated 2019-08-22.

Conditions:
ABCA7-related disorder. Also called: ABCA7-related condition.

Allele frequency attached by ClinVar (database versions not stated): ESP Exome Variant Server 0.02984; 1000 Genomes Project 30x 0.05684; 1000 Genomes Project 0.06070.
gnomAD v4.1: 67,936 of 1,610,838 alleles (4.2%); highest among the groups gnomAD compares: East Asian, 16%; 1,999 homozygotes.

Submissions (3):

GeneDx
Classification: Benign. Last evaluated: 2019-08-22. Review status: criteria provided, single submitter. Criteria: GeneDx Variant Classification Process June 2021. Collection method: clinical testing. Allele origin: germline. Affected: yes.
Comment: This variant is associated with the following publications: (PMID: 31182772, 30917570)

Breakthrough Genomics
Classification: Benign. Review status: criteria provided, single submitter. Criteria: ACMG Guidelines, 2015. Collection method: not provided. Allele origin: germline. Inheritance: Autosomal dominant inheritance. Affected: yes.

PreventionGenetics, part of Exact Sciences
Classification: Benign for ABCA7-related condition. Last evaluated: 2019-03-05. Review status: no assertion criteria provided. Collection method: clinical testing. Allele origin: germline. Not counted in ClinVar's aggregate classification.
Comment: This variant is classified as benign based on ACMG/AMP sequence variant interpretation guidelines (Richards et al. 2015 PMID: 25741868, with internal and published modifications).